The following is an entry in ClinVar:

ClinVar aggregate classification (germline): Pathogenic (1 of 4 stars; one submission).

Submission:

Labcorp Genetics (formerly Invitae), Labcorp
Classification: Pathogenic. Last evaluated: 2024-08-29. Review status: criteria provided, single submitter. Criteria: Invitae Variant Classification Sherloc (09022015). Collection method: clinical testing. Allele origin: germline.
Comment: This sequence change creates a premature translational stop signal (p.Cys683Alafs*7) in the FNIP1 gene. It is expected to result in an absent or disrupted protein product. Loss-of-function variants in FNIP1 are known to be pathogenic (PMID: 32181500, 32905580). This variant is not present in population databases (gnomAD no frequency). This variant has not been reported in the literature in individuals affected with FNIP1-related conditions. For these reasons, this variant has been classified as Pathogenic.

Literature cited by the submitters: PubMed 32181500; PubMed 32905580.

NM_133372.3(FNIP1):c.2047del (p.Cys683fs)

Gene: FNIP1 (folliculin interacting protein 1; minus strand). Cytogenetic location: 5q31.1.
Variant type: Deletion.
Coding change: c.2047del on transcript NM_133372.3 (MANE Select); coding-DNA position 2047, one base deleted (T; older notation c.2047delT).
Protein change: p.Cys683fs; shifts the reading frame from cysteine 683.
Molecular consequence: frameshift variant.
Genome position (GRCh38, 1-based): chr5:131,672,397, A deleted on the plus strand (T on the coding strand, the reverse complement: FNIP1 is on the minus strand); the first of 3 consecutive A bases (chr5:131,672,397-131,672,399); deleting any one gives the same sequence. VCF-style (leftmost placement, unchanged base first): chr5-131672396-CA-C. GRCh37 (hg19) VCF-style: chr5-131008089-CA-C.
Other names: c.1963del, p.Cys655fs (NM_001008738.3); c.1912del, p.Cys638fs (NM_001346114.2); short protein forms C683fs, C655fs, C638fs.
Identifiers: ClinVar variation 3711756 (VCV003711756.2).